The following is an entry in ClinVar:

ClinVar aggregate classification (germline): Likely pathogenic. Review status: reviewed by expert panel (3 of 4 stars). 4 submissions from 4 submitters: Likely pathogenic (1). 3 of the submissions do not count toward it. Last evaluated 2022-09-05.

Conditions:
Very long chain acyl-CoA dehydrogenase deficiency (ACADVLD). Also called: VLCAD Deficiency; Very Long-Chain Acyl-Coenzyme A Dehydrogenase Deficiency. Identifiers: Orphanet 26793, MedGen C3887523, MONDO:0008723, OMIM 201475.

Submissions (4):

ClinGen ACADVL Variant Curation Expert Panel, ClinGen
Classification: Likely pathogenic for Very long chain acyl-CoA dehydrogenase deficiency. Last evaluated: 2022-09-05. Review status: reviewed by expert panel. Criteria: clingen acadvl acmg specifications v1. Collection method: curation. Allele origin: germline. Inheritance: Autosomal recessive inheritance.
Comment: The c.1593dup (p.Ser532GlufsTer30) variant in ACADVL is a frameshift variant predicted to cause a premature stop codon in biologically-relevant-exon 16/20 leading to nonsense mediated decay in a gene in which loss-of-function is an established disease mechanism (PVS1; PMIDs: 9973285, 11590124). This variant has been detected in at least one individual identified by abnormal newborn screening or presumed positive on newborn screening for very long chain acyl CoA dehydrogenase (VLCAD) deficiency with no reported follow-up plasma acylcarnitine or enzyme activity (PMID: 26385305). To our knowledge, functional assays have not been reported for this variant. This variant is absent from gnomAD v2.1.1 (PM2_Supporting). In summary, this variant meets the criteria to be classified as LIKELY PATHOGENIC for autosomal recessive very long chain acyl-CoA dehydrogenase (VLCAD) deficiency based on the ACMG/AMP criteria applied, as specified by the ClinGen ACADVL Variant Curation Expert Panel: PVS1, PM2_Supporting (ClinGen ACADVL VCEP specifications version#1; 09-05-2022).

Baylor Genetics
Classification: Likely pathogenic for Very long chain acyl-CoA dehydrogenase deficiency. Last evaluated: 2023-03-28. Review status: criteria provided, single submitter. Criteria: ACMG Guidelines, 2015. Collection method: clinical testing. Allele origin: unknown. Not counted in ClinVar's aggregate classification.

Wong Mito Lab, Molecular and Human Genetics, Baylor College of Medicine
Classification: Pathogenic for Very long chain acyl-CoA dehydrogenase deficiency. Last evaluated: 2019-11-01. Review status: criteria provided, single submitter. Criteria: ACMG Guidelines, 2015. Collection method: clinical testing. Allele origin: germline. Not counted in ClinVar's aggregate classification.
Comment: The NM_000018.3:c.1593dupG (NP_000009.1:p.Ser532GlufsTer30) [GRCH38: NC_000017.11:g.7224381dupG] variant in ACADVL gene is interpretated to be Pathogenic based on ACMG guidelines (PMID: 25741868). This variant has been reported in PMID: 26385305. This variant meets the following evidence codes reported in the ACMG guidelines: PVS1, PS3

Division of Human Genetics, Children's Hospital of Philadelphia
Classification: Likely pathogenic for Very long chain acyl-CoA dehydrogenase deficiency. Last evaluated: 2015-05-09. Review status: no assertion criteria provided. Collection method: research. Allele origin: germline. Affected: yes. Study: CSER-PediSeq. Not counted in ClinVar's aggregate classification.

Literature cited by the submitters: PubMed 26385305 (cited by Wong Mito Lab, Molecular and Human Genetics, Baylor College of Medicine).

NM_000018.4(ACADVL):c.1593dup (p.Ser532fs)

Gene: ACADVL (acyl-CoA dehydrogenase very long chain; plus strand). Cytogenetic location: 17p13.1.
Variant type: Duplication.
Coding change: c.1593dup on transcript NM_000018.4 (MANE Select); coding-DNA position 1593, one base duplicated (G; older notation c.1593dupG).
Protein change: p.Ser532fs; shifts the reading frame from serine 532.
Molecular consequence: frameshift variant.
Genome position (GRCh38, 1-based): chr17:7,224,381, G duplicated; the last of 2 consecutive G bases (chr17:7,224,380-7,224,381); duplicating either gives the same sequence. VCF-style (leftmost placement, unchanged base first): chr17-7224379-C-CG. GRCh37 (hg19) VCF-style: chr17-7127698-C-CG.
Other names: NM_000018.4(ACADVL):c.1593dup; p.Ser532fs; c.1527dup, p.Ser510fs (NM_001033859.3); c.1662dup, p.Ser555fs (NM_001270447.2); c.1365dup, p.Ser456fs (NM_001270448.2); short protein forms S532fs, S456fs, S510fs, S555fs.
Identifiers: ClinVar variation 417917 (VCV000417917.7), dbSNP rs1060499596, ClinGen allele CA16616934.